The following is an entry in ClinVar:

ClinVar aggregate classification (germline): Uncertain significance (1 of 4 stars; one submission).

gnomAD v4.1: 3 of 1,614,244 alleles (0.00019%); highest among the groups gnomAD compares: Middle Eastern, 0.016%; no homozygotes.

Submission:

Labcorp Genetics (formerly Invitae), Labcorp
Classification: Uncertain significance. Last evaluated: 2022-07-18. Review status: criteria provided, single submitter. Criteria: Invitae Variant Classification Sherloc (09022015). Collection method: clinical testing. Allele origin: germline.
Comment: This sequence change replaces threonine, which is neutral and polar, with alanine, which is neutral and non-polar, at codon 507 of the AHR protein (p.Thr507Ala). This variant is not present in population databases (gnomAD no frequency). This variant has not been reported in the literature in individuals affected with AHR-related conditions. ClinVar contains an entry for this variant (Variation ID: 1008728). Algorithms developed to predict the effect of missense changes on protein structure and function output the following: SIFT: "Tolerated"; PolyPhen-2: "Benign"; Align-GVGD: "Class C0". The alanine amino acid residue is found in multiple mammalian species, which suggests that this missense change does not adversely affect protein function. In summary, the available evidence is currently insufficient to determine the role of this variant in disease. Therefore, it has been classified as a Variant of Uncertain Significance.

NM_001621.5(AHR):c.1519A>G (p.Thr507Ala)

Gene: AHR (aryl hydrocarbon receptor; plus strand). Cytogenetic location: 7p21.1.
Variant type: single nucleotide variant.
Coding change: c.1519A>G on transcript NM_001621.5 (MANE Select); coding-DNA position 1519, A replaced by G.
Protein change: p.Thr507Ala; replaces threonine 507 with alanine.
Molecular consequence: missense variant.
Genome position (GRCh38, 1-based): chr7:17,339,344, A>G. VCF-style: chr7-17339344-A-G. GRCh37 (hg19) VCF-style: chr7-17378968-A-G.
Other names: short protein forms T507A.
Identifiers: ClinVar variation 1008728 (VCV001008728.6), dbSNP rs1340035435, ClinGen allele CA366894334.